The following is an entry in ClinVar:

NM_024537.4(CARS2):c.1324G>C (p.Glu442Gln)

Gene: CARS2 (cysteinyl-tRNA synthetase 2, mitochondrial; minus strand). Cytogenetic location: 13q34.
Variant type: single nucleotide variant.
Coding change: c.1324G>C on transcript NM_024537.4 (MANE Select); coding-DNA position 1324, G replaced by C.
Protein change: p.Glu442Gln; replaces glutamic acid 442 with glutamine.
Molecular consequence: missense variant. On other transcripts: non-coding transcript variant (2).
Genome position (GRCh38, 1-based): chr13:110,644,477, C>G on the plus strand (G>C on the coding strand, the complement: CARS2 is on the minus strand). VCF-style: chr13-110644477-C-G. GRCh37 (hg19) VCF-style: chr13-111296824-C-G.
Other names: c.538G>C, p.Glu180Gln (NM_001352252.2); short protein forms E442Q, E180Q.
Identifiers: ClinVar variation 585034 (VCV000585034.6), dbSNP rs761022161, ClinGen allele CA7051810.

ClinVar aggregate classification (germline): Uncertain significance. Review status: criteria provided, multiple submitters, no conflicts (2 of 4 stars). 3 submissions from 3 submitters: Uncertain significance (3). Last evaluated 2025-09-22.

Conditions:
Inborn genetic diseases. Identifiers: MedGen C0950123, MeSH D030342.
Combined oxidative phosphorylation defect type 27. Also called: Combined oxidative phosphorylation deficiency 27. Identifiers: Orphanet 477774, MedGen C5567608, MONDO:0014728, OMIM 616672.

Allele frequency attached by ClinVar (database versions not stated): TOPMed 0.00001; gnomAD exomes 0.00005 and 0.00007; gnomAD 0.00001 and 0.00003; ExAC 0.00007.
gnomAD v4.1: 102 of 1,614,038 alleles (0.0063%); highest among the groups gnomAD compares: East Asian, 0.23%; no homozygotes.

Submissions (3):

Ambry Genetics
Classification: Uncertain significance for Inborn genetic diseases. Last evaluated: 2025-09-22. Review status: criteria provided, single submitter. Criteria: Ambry Variant Classification Scheme 2023. Collection method: clinical testing. Allele origin: germline.

GeneDx
Classification: Uncertain significance. Last evaluated: 2024-04-17. Review status: criteria provided, single submitter. Criteria: GeneDx Variant Classification Process June 2021. Collection method: clinical testing. Allele origin: germline. Affected: yes.
Comment: In silico analysis indicates that this missense variant does not alter protein structure/function; Has not been previously published as pathogenic or benign to our knowledge

Labcorp Genetics (formerly Invitae), Labcorp
Classification: Uncertain significance for Combined oxidative phosphorylation defect type 27. Last evaluated: 2022-04-01. Review status: criteria provided, single submitter. Criteria: Invitae Variant Classification Sherloc (09022015). Collection method: clinical testing. Allele origin: germline.
Comment: This sequence change replaces glutamic acid, which is acidic and polar, with glutamine, which is neutral and polar, at codon 442 of the CARS2 protein (p.Glu442Gln). This variant is present in population databases (rs761022161, gnomAD 0.08%). This variant has not been reported in the literature in individuals affected with CARS2-related conditions. ClinVar contains an entry for this variant (Variation ID: 585034). Algorithms developed to predict the effect of missense changes on protein structure and function (SIFT, PolyPhen-2, Align-GVGD) all suggest that this variant is likely to be tolerated. In summary, the available evidence is currently insufficient to determine the role of this variant in disease. Therefore, it has been classified as a Variant of Uncertain Significance.